The following is an entry in ClinVar:

NM_152383.5(DIS3L2):c.2227C>T (p.Arg743Cys)

Gene: DIS3L2 (DIS3 like 3'-5' exoribonuclease 2; plus strand). Cytogenetic location: 2q37.1.
Variant type: single nucleotide variant.
Coding change: c.2227C>T on transcript NM_152383.5 (MANE Select); coding-DNA position 2227, C replaced by T.
Protein change: p.Arg743Cys; replaces arginine 743 with cysteine.
Molecular consequence: missense variant. On other transcripts: non-coding transcript variant (2), intron variant (1).
Genome position (GRCh38, 1-based): chr2:232,334,437, C>T. VCF-style: chr2-232334437-C-T. GRCh37 (hg19) VCF-style: chr2-233199147-C-T.
Other names: c.1582-8908C>T (NM_001257281.2); short protein forms R743C.
Identifiers: ClinVar variation 463095 (VCV000463095.6), dbSNP rs765865656, ClinGen allele CA2164458.

ClinVar aggregate classification (germline): Uncertain significance. Review status: criteria provided, multiple submitters, no conflicts (2 of 4 stars). 2 submissions from 2 submitters: Uncertain significance (2). Last evaluated 2025-05-19.

Conditions:
Perlman syndrome (PRLMNS). Identifiers: Orphanet 2849, MedGen C0796113, MONDO:0009965, OMIM 267000.

Allele frequency attached by ClinVar (database versions not stated): gnomAD 0.00001; gnomAD exomes 0.00001; TOPMed 0.00001; ExAC 0.00002.
gnomAD v4.1: 12 of 1,613,792 alleles (0.00074%); highest among the groups gnomAD compares: African/African-American, 0.0067%; no homozygotes.

Submissions (2):

Labcorp Genetics (formerly Invitae), Labcorp
Classification: Uncertain significance for Perlman syndrome. Last evaluated: 2025-05-19. Review status: criteria provided, single submitter. Criteria: Invitae Variant Classification Sherloc (09022015). Collection method: clinical testing. Allele origin: germline.
Comment: This sequence change replaces arginine, which is basic and polar, with cysteine, which is neutral and slightly polar, at codon 743 of the DIS3L2 protein (p.Arg743Cys). This variant is present in population databases (rs765865656, gnomAD 0.004%). This missense change has been observed in individual(s) with breast cancer (PMID: 35957908). ClinVar contains an entry for this variant (Variation ID: 463095). Invitae Evidence Modeling of protein sequence and biophysical properties (such as structural, functional, and spatial information, amino acid conservation, physicochemical variation, residue mobility, and thermodynamic stability) indicates that this missense variant is not expected to disrupt DIS3L2 protein function with a negative predictive value of 80%. In summary, the available evidence is currently insufficient to determine the role of this variant in disease. Therefore, it has been classified as a Variant of Uncertain Significance.

GeneDx
Classification: Uncertain significance. Last evaluated: 2022-12-13. Review status: criteria provided, single submitter. Criteria: GeneDx Variant Classification Process June 2021. Collection method: clinical testing. Allele origin: germline. Affected: yes.
Comment: In silico analysis supports that this missense variant has a deleterious effect on protein structure/function; Has not been previously published as pathogenic or benign to our knowledge

Literature cited by the submitters: PubMed 35957908 (cited by Labcorp Genetics (formerly Invitae), Labcorp).